The following is an entry in ClinVar:

ClinVar aggregate classification (germline): Uncertain significance (1 of 4 stars; one submission).

gnomAD v4.1: 25 of 1,613,050 alleles (0.0015%); highest among the groups gnomAD compares: South Asian, 0.0066%; no homozygotes.

Submission:

Labcorp Genetics (formerly Invitae), Labcorp
Classification: Uncertain significance. Last evaluated: 2025-03-14. Review status: criteria provided, single submitter. Criteria: Invitae Variant Classification Sherloc (09022015). Collection method: clinical testing. Allele origin: germline.
Comment: This sequence change replaces aspartic acid, which is acidic and polar, with asparagine, which is neutral and polar, at codon 651 of the ESPN protein (p.Asp651Asn). This variant is present in population databases (rs770916499, gnomAD 0.01%). This variant has not been reported in the literature in individuals affected with ESPN-related conditions. An algorithm developed to predict the effect of missense changes on protein structure and function (PolyPhen-2) suggests that this variant is likely to be disruptive. In summary, the available evidence is currently insufficient to determine the role of this variant in disease. Therefore, it has been classified as a Variant of Uncertain Significance.

NM_031475.3(ESPN):c.1951G>A (p.Asp651Asn)

Gene: ESPN (espin; plus strand). Cytogenetic location: 1p36.31.
Variant type: single nucleotide variant.
Coding change: c.1951G>A on transcript NM_031475.3 (MANE Select); coding-DNA position 1951, G replaced by A.
Protein change: p.Asp651Asn; replaces aspartic acid 651 with asparagine.
Molecular consequence: missense variant.
Genome position (GRCh38, 1-based): chr1:6,451,638, G>A. VCF-style: chr1-6451638-G-A. GRCh37 (hg19) VCF-style: chr1-6511698-G-A.
Other names: c.1861G>A, p.Asp621Asn (NM_001367473.1); c.1888G>A, p.Asp630Asn (NM_001367474.1); short protein forms D651N, D621N, D630N.
Identifiers: ClinVar variation 3695314 (VCV003695314.2).
Genomic context (GRCh38, chr1:6,451,638, plus strand): 5'-TGCCTCATCTCCTGCCTCCGCATAGGCACCAAGTCTTTCAACATGATGTCCCCGACGGGC[G>A]ACAACTCGGAGCTACTGGCTGAGATTAAGGCAGGCAAGAGCCTGAAGCCGACGCCCCAGA-3'
Protein context (NP_113663.2, residues 641-661): KSFNMMSPTG[Asp651Asn]NSELLAEIKA